The following is an entry in ClinVar:

ClinVar aggregate classification (germline): Likely pathogenic (1 of 4 stars; one submission).

Submission:

Labcorp Genetics (formerly Invitae), Labcorp
Classification: Likely pathogenic. Last evaluated: 2023-06-02. Review status: criteria provided, single submitter. Criteria: Invitae Variant Classification Sherloc (09022015). Collection method: clinical testing. Allele origin: germline.
Comment: This sequence change affects an acceptor splice site in intron 5 of the ESCO2 gene. It is expected to disrupt RNA splicing. Variants that disrupt the donor or acceptor splice site typically lead to a loss of protein function (PMID: 16199547), and loss-of-function variants in ESCO2 are known to be pathogenic (PMID: 15821733, 16380922). This variant is not present in population databases (gnomAD no frequency). This variant has not been reported in the literature in individuals affected with ESCO2-related conditions. Algorithms developed to predict the effect of sequence changes on RNA splicing suggest that this variant may disrupt the consensus splice site. In summary, the currently available evidence indicates that the variant is pathogenic, but additional data are needed to prove that conclusively. Therefore, this variant has been classified as Likely Pathogenic.

Literature cited by the submitters: PubMed 16199547; PubMed 15821733; PubMed 16380922.

NM_001017420.3(ESCO2):c.1014-1G>C

Gene: ESCO2 (establishment of sister chromatid cohesion N-acetyltransferase 2; plus strand). Cytogenetic location: 8p21.1.
Variant type: single nucleotide variant.
Coding change: c.1014-1G>C on transcript NM_001017420.3 (MANE Select); the canonical splice acceptor site of the intron before coding-DNA position 1014, G replaced by C.
Molecular consequence: splice acceptor variant.
Genome position (GRCh38, 1-based): chr8:27,787,884, G>C. VCF-style: chr8-27787884-G-C. GRCh37 (hg19) VCF-style: chr8-27645401-G-C.
Identifiers: ClinVar variation 2758629 (VCV002758629.3), dbSNP rs2486654067, ClinGen allele CA370823027.